The following is an entry in ClinVar:

ClinVar aggregate classification (germline): Uncertain significance (1 of 4 stars; one submission).

Conditions:
Dyskeratosis congenita, autosomal recessive 5 (DKCB5). Identifiers: MedGen C3554656, MONDO:0014076, OMIM 615190.
Pulmonary fibrosis and/or bone marrow failure, Telomere-related, 3. Also called: PULMONARY FIBROSIS AND/OR BONE MARROW FAILURE SYNDROME, TELOMERE-RELATED, 3. Identifiers: Orphanet 2032, MedGen C4225346, MONDO:0014613, OMIM 616373.

Submission:

Labcorp Genetics (formerly Invitae), Labcorp
Classification: Uncertain significance for Dyskeratosis congenita, autosomal recessive 5; Pulmonary fibrosis and/or bone marrow failure, Telomere-related, 3. Last evaluated: 2022-12-07. Review status: criteria provided, single submitter. Criteria: Invitae Variant Classification Sherloc (09022015). Collection method: clinical testing. Allele origin: germline.
Comment: This variant is not present in population databases (gnomAD no frequency). In summary, the available evidence is currently insufficient to determine the role of this variant in disease. Therefore, it has been classified as a Variant of Uncertain Significance. Algorithms developed to predict the effect of missense changes on protein structure and function are either unavailable or do not agree on the potential impact of this missense change (SIFT: "Deleterious"; PolyPhen-2: "Possibly Damaging"; Align-GVGD: "Class C0"). This variant has not been reported in the literature in individuals affected with RTEL1-related conditions. This sequence change replaces lysine, which is basic and polar, with glutamic acid, which is acidic and polar, at codon 945 of the RTEL1 protein (p.Lys945Glu).

NM_001283009.2(RTEL1):c.2833A>G (p.Lys945Glu)

Genes: RTEL1 (regulator of telomere elongation helicase 1; plus strand), RTEL1-TNFRSF6B (RTEL1-TNFRSF6B readthrough (NMD candidate); plus strand). Cytogenetic location: 20q13.33.
Variant type: single nucleotide variant.
Coding change: c.2833A>G on transcript NM_001283009.2 (MANE Select); coding-DNA position 2833, A replaced by G.
Protein change: p.Lys945Glu; replaces lysine 945 with glutamic acid.
Molecular consequence: missense variant. On other transcripts: non-coding transcript variant (1).
Genome position (GRCh38, 1-based): chr20:63,692,985, A>G. VCF-style: chr20-63692985-A-G. GRCh37 (hg19) VCF-style: chr20-62324338-A-G.
Other names: c.2164A>G, p.Lys722Glu (NM_001283010.1); c.2833A>G, p.Lys945Glu (NM_016434.4); c.2905A>G, p.Lys969Glu (NM_032957.5); short protein forms K945E, K969E, K722E.
Identifiers: ClinVar variation 2101388 (VCV002101388.4), dbSNP rs2517166575, ClinGen allele CA409683116.